The following is an entry in ClinVar:

ClinVar aggregate classification (germline): Likely benign. Review status: criteria provided, single submitter (1 of 4 stars). 2 submissions from 2 submitters: Likely benign (1). 1 of the submissions does not count toward it. Last evaluated 2019-12-31.

Conditions:
HIRA-related disorder.

Allele frequency attached by ClinVar (database versions not stated): ExAC 0.00004; gnomAD exomes 0.00006 and 0.00011; gnomAD 0.00007 and 0.00008; ESP Exome Variant Server 0.00008; TOPMed 0.00009.
gnomAD v4.1: 97 of 1,613,912 alleles (0.006%); highest among the groups gnomAD compares: Admixed American, 0.028%; no homozygotes.

Submissions (2):

Labcorp Genetics (formerly Invitae), Labcorp
Classification: Likely benign. Last evaluated: 2019-12-31. Review status: criteria provided, single submitter. Criteria: Invitae Variant Classification Sherloc (09022015). Collection method: clinical testing. Allele origin: germline.

PreventionGenetics, part of Exact Sciences
Classification: Likely benign for HIRA-related condition. Last evaluated: 2019-09-10. Review status: no assertion criteria provided. Collection method: clinical testing. Allele origin: germline. Not counted in ClinVar's aggregate classification.
Comment: This variant is classified as likely benign based on ACMG/AMP sequence variant interpretation guidelines (Richards et al. 2015 PMID: 25741868, with internal and published modifications).

NM_003325.4(HIRA):c.2313C>T (p.Ile771=)

Gene: HIRA (histone cell cycle regulator; minus strand). Cytogenetic location: 22q11.21.
Variant type: single nucleotide variant.
Coding change: c.2313C>T on transcript NM_003325.4 (MANE Select); coding-DNA position 2313, C replaced by T.
Protein change: p.Ile771=; no amino-acid change (isoleucine 771 retained).
Molecular consequence: synonymous variant.
Genome position (GRCh38, 1-based): chr22:19,356,973, G>A on the plus strand (C>T on the coding strand, the complement: HIRA is on the minus strand). VCF-style: chr22-19356973-G-A. GRCh37 (hg19) VCF-style: chr22-19344496-G-A.
Identifiers: ClinVar variation 751957 (VCV000751957.6), dbSNP rs374953578, ClinGen allele CA10099421.